The following is an entry in ClinVar:

NM_000079.4(CHRNA1):c.52G>C (p.Val18Leu)

Gene: CHRNA1 (cholinergic receptor nicotinic alpha 1 subunit; minus strand). Cytogenetic location: 2q31.1.
Variant type: single nucleotide variant.
Coding change: c.52G>C on transcript NM_000079.4 (MANE Select); coding-DNA position 52, G replaced by C.
Protein change: p.Val18Leu; replaces valine 18 with leucine.
Molecular consequence: missense variant.
Genome position (GRCh38, 1-based): chr2:174,759,625, C>G on the plus strand (G>C on the coding strand, the complement: CHRNA1 is on the minus strand). VCF-style: chr2-174759625-C-G. GRCh37 (hg19) VCF-style: chr2-175624353-C-G.
Other names: c.52G>C, p.Val18Leu (NM_001039523.3); short protein forms V18L.
Identifiers: ClinVar variation 571184 (VCV000571184.10), dbSNP rs202221890, ClinGen allele CA1974710.

ClinVar aggregate classification (germline): Uncertain significance. Review status: criteria provided, multiple submitters, no conflicts (2 of 4 stars). 4 submissions from 4 submitters: Uncertain significance (4). Last evaluated 2025-12-03.

Conditions:
Lethal multiple pterygium syndrome (LMPS). Identifiers: Orphanet 33108, MedGen C1854678, MONDO:0009668, OMIM 253290.
Inborn genetic diseases. Identifiers: MedGen C0950123, MeSH D030342.

Allele frequency attached by ClinVar (database versions not stated): TOPMed 0.00002; 1000 Genomes Project 0.00020; 1000 Genomes Project 30x 0.00031.
gnomAD v4.1: 51 of 1,613,412 alleles (0.0032%); highest among the groups gnomAD compares: Middle Eastern, 0.1%; no homozygotes.

Submissions (4):

Labcorp Genetics (formerly Invitae), Labcorp
Classification: Uncertain significance for Lethal multiple pterygium syndrome. Last evaluated: 2025-12-03. Review status: criteria provided, single submitter. Criteria: Invitae Variant Classification Sherloc (09022015). Collection method: clinical testing. Allele origin: germline.
Comment: This sequence change replaces valine, which is neutral and non-polar, with leucine, which is neutral and non-polar, at codon 18 of the CHRNA1 protein (p.Val18Leu). This variant is present in population databases (rs202221890, gnomAD no frequency). This variant has not been reported in the literature in individuals affected with CHRNA1-related conditions. ClinVar contains an entry for this variant (Variation ID: 571184). Invitae Evidence Modeling of protein sequence and biophysical properties (such as structural, functional, and spatial information, amino acid conservation, physicochemical variation, residue mobility, and thermodynamic stability) indicates that this missense variant is not expected to disrupt CHRNA1 protein function with a negative predictive value of 95%. In summary, the available evidence is currently insufficient to determine the role of this variant in disease. Therefore, it has been classified as a Variant of Uncertain Significance.

Ambry Genetics
Classification: Uncertain significance for Inborn genetic diseases. Last evaluated: 2025-09-25. Review status: criteria provided, single submitter. Criteria: Ambry Variant Classification Scheme 2023. Collection method: clinical testing. Allele origin: germline.

Revvity Omics, Revvity
Classification: Uncertain significance. Last evaluated: 2019-08-30. Review status: criteria provided, single submitter. Criteria: ACMG Guidelines, 2015. Collection method: clinical testing. Allele origin: germline.

Baylor Genetics
Classification: Uncertain significance for Lethal multiple pterygium syndrome. Last evaluated: 2018-12-13. Review status: criteria provided, single submitter. Criteria: ACMG Guidelines, 2015. Collection method: clinical testing. Allele origin: unknown. Affected: yes.
Comment: This variant was determined to be of uncertain significance according to ACMG Guidelines, 2015 [PMID:25741868].